The following is an entry in ClinVar:

NM_020937.4(FANCM):c.2258A>C (p.Asp753Ala)

Gene: FANCM (FA complementation group M; plus strand). Cytogenetic location: 14q21.2.
Variant type: single nucleotide variant.
Coding change: c.2258A>C on transcript NM_020937.4 (MANE Select); coding-DNA position 2258, A replaced by C.
Protein change: p.Asp753Ala; replaces aspartic acid 753 with alanine.
Molecular consequence: missense variant.
Genome position (GRCh38, 1-based): chr14:45,173,152, A>C. VCF-style: chr14-45173152-A-C. GRCh37 (hg19) VCF-style: chr14-45642355-A-C.
Other names: c.2180A>C, p.Asp727Ala (NM_001308133.2); short protein forms D753A, D727A.
Identifiers: ClinVar variation 4619577 (VCV004619577.1).

ClinVar aggregate classification (germline): Uncertain significance (1 of 4 stars; one submission).

Conditions:
Inborn genetic diseases. Identifiers: MedGen C0950123, MeSH D030342.

Submission:

Ambry Genetics
Classification: Uncertain significance for Inborn genetic diseases. Last evaluated: 2025-11-11. Review status: criteria provided, single submitter. Criteria: Ambry Variant Classification Scheme 2023. Collection method: clinical testing. Allele origin: germline.
Comment: The p.D753A variant (also known as c.2258A>C), located in coding exon 13 of the FANCM gene, results from an A to C substitution at nucleotide position 2258. The aspartic acid at codon 753 is replaced by alanine, an amino acid with dissimilar properties. This amino acid position is conserved. In addition, this alteration is predicted to be tolerated by in silico analysis. Based on the available evidence, the clinical significance of this variant remains unclear.